The following is an entry in ClinVar:

ClinVar aggregate classification (germline): Uncertain significance. Review status: criteria provided, multiple submitters, no conflicts (2 of 4 stars). 2 submissions from 2 submitters: Uncertain significance (2). Last evaluated 2023-04-25.

Conditions:
Combined oxidative phosphorylation deficiency. Identifiers: MedGen C4540031, MONDO:0000732.
Charcot-Marie-Tooth Neuropathy X. Identifiers: MedGen CN118851.
Inborn genetic diseases. Identifiers: MedGen C0950123, MeSH D030342.

Allele frequency attached by ClinVar (database versions not stated): TOPMed below 0.00001; gnomAD 0.00001.
gnomAD v4.1: 8 of 1,209,639 alleles (0.00066%); highest among the groups gnomAD compares: African/African-American, 0.0035%; no homozygotes.

Submissions (2):

Ambry Genetics
Classification: Uncertain significance for Inborn genetic diseases. Last evaluated: 2023-04-25. Review status: criteria provided, single submitter. Criteria: Ambry Variant Classification Scheme 2023. Collection method: clinical testing. Allele origin: germline.

Labcorp Genetics (formerly Invitae), Labcorp
Classification: Uncertain significance for Charcot-Marie-Tooth Neuropathy X; Combined oxidative phosphorylation deficiency. Last evaluated: 2023-03-07. Review status: criteria provided, single submitter. Criteria: Invitae Variant Classification Sherloc (09022015). Collection method: clinical testing. Allele origin: germline.
Comment: This sequence change replaces arginine, which is basic and polar, with glutamine, which is neutral and polar, at codon 41 of the AIFM1 protein (p.Arg41Gln). This variant is not present in population databases (gnomAD no frequency). This variant has not been reported in the literature in individuals affected with AIFM1-related conditions. Advanced modeling of protein sequence and biophysical properties (such as structural, functional, and spatial information, amino acid conservation, physicochemical variation, residue mobility, and thermodynamic stability) performed at Invitae indicates that this missense variant is not expected to disrupt AIFM1 protein function. In summary, the available evidence is currently insufficient to determine the role of this variant in disease. Therefore, it has been classified as a Variant of Uncertain Significance.

NM_004208.4(AIFM1):c.122G>A (p.Arg41Gln)

Genes: AIFM1 (apoptosis inducing factor mitochondria associated 1; minus strand), RAB33A (RAB33A, member RAS oncogene family; plus strand). Cytogenetic location: Xq26.1.
Variant type: single nucleotide variant.
Coding change: c.122G>A on transcript NM_004208.4 (MANE Select); coding-DNA position 122, G replaced by A.
Protein change: p.Arg41Gln; replaces arginine 41 with glutamine.
Molecular consequence: missense variant. On other transcripts: intron variant (1).
Genome position (GRCh38, 1-based): chrX:130,156,588, C>T on the plus strand (G>A on the coding strand, the complement: AIFM1 is on the minus strand). VCF-style: chrX-130156588-C-T. GRCh37 (hg19) VCF-style: chrX-129290562-C-T.
Other names: c.122G>A, p.Arg41Gln (NM_001130847.4); c.107-1302G>A (NM_145812.3); short protein forms R41Q.
Identifiers: ClinVar variation 2540286 (VCV002540286.5), dbSNP rs779952484, ClinGen allele CA414593953.
Genomic context (GRCh38, chrX:130,156,588, plus strand): 5'-CCTGATGCACCAGAGCTAGCCATTTGTCTTGTCATCTGGAGTTCTAGAGGAACATGCCAT[C>T]GCTGGAACAAGTTGCCTAAGAAACATAATTTATTAAGACACACACATACAAAAATAAAAT-3'
Protein context (NP_004199.1, residues 31-51): RNRLPGNLFQ[Arg41Gln]WHVPLELQMT